The following is an entry in ClinVar:

NM_201384.3(PLEC):c.8905A>G (p.Lys2969Glu)

Gene: PLEC (plectin; minus strand). Cytogenetic location: 8q24.3.
Variant type: single nucleotide variant.
Coding change: c.8905A>G on transcript NM_201384.3 (MANE Select); coding-DNA position 8905, A replaced by G.
Protein change: p.Lys2969Glu; replaces lysine 2969 with glutamic acid.
Molecular consequence: missense variant.
Genome position (GRCh38, 1-based): chr8:143,920,916, T>C on the plus strand (A>G on the coding strand, the complement: PLEC is on the minus strand). VCF-style: chr8-143920916-T-C. GRCh37 (hg19) VCF-style: chr8-144995084-T-C.
Other names: c.8986A>G, p.Lys2996Glu (NM_000445.5); c.8863A>G, p.Lys2955Glu (NM_201378.4); c.8839A>G, p.Lys2947Glu (NM_201379.3); c.9316A>G, p.Lys3106Glu (NM_201380.4); c.8809A>G, p.Lys2937Glu (NM_201381.3); c.8905A>G, p.Lys2969Glu (NM_201382.4); c.8917A>G, p.Lys2973Glu (NM_201383.3); short protein forms K2937E, K2947E, K2955E, K2969E, K2973E, K2996E, K3106E.
Identifiers: ClinVar variation 1059004 (VCV001059004.5), dbSNP rs1822419267, ClinGen allele CA372514930.
Genomic context (GRCh38, chr8:143,920,916, plus strand): 5'-TCTCCAGCAGCTCGGCGGCTGGCACCAGGCTGCGCAGGCCCTCAAAGCAAAGCCGGCCCT[T>C]CTGCTCCTGCTCCTCCACCACCGTGATGATGATCTTGATGATCTTCTCCACTGTGATCCG-3'
Protein context (NP_958786.1, residues 2959-2979): IITVVEEQEQ[Lys2969Glu]GRLCFEGLRS

ClinVar aggregate classification (germline): Uncertain significance (1 of 4 stars; one submission).

Conditions:
Epidermolysis bullosa simplex with nail dystrophy (EBS5D). Identifiers: MedGen C4225309, MONDO:0014661, OMIM 616487.
Epidermolysis bullosa simplex 5C, with pyloric atresia (EBS5C). Also called: PLEC-Related Epidermolysis Bullosa with Pyloric Atresia; Epidermolysis bullosa simplex with pyloric atresia; PLEC1-Related Epidermolysis Bullosa with Pyloric Atresia. Identifiers: Orphanet 158684, MedGen C2677349, MONDO:0012807, OMIM 612138.
Epidermolysis bullosa simplex 5B, with muscular dystrophy (EBS5B). Also called: Epidermolysis bullosa simplex with muscular dystrophy; EPIDERMOLYSIS BULLOSA SIMPLEX AND LIMB-GIRDLE MUSCULAR DYSTROPHY. Identifiers: Orphanet 257, MedGen C2931072, MONDO:0009181, OMIM 226670.
Epidermolysis bullosa simplex, Ogna type (EBS5A). Also called: Pidermolysis bullosa simplex 5A, Ogna type; EPIDERMOLYSIS BULLOSA SIMPLEX 5A, OGNA TYPE. Identifiers: Orphanet 79401, MedGen C0432317, MONDO:0007555, OMIM 131950.
Autosomal recessive limb-girdle muscular dystrophy type 2Q (LGMDR17). Also called: MUSCULAR DYSTROPHY, LIMB-GIRDLE, AUTOSOMAL RECESSIVE 17. Identifiers: Orphanet 254361, MedGen C3150989, MONDO:0013390, OMIM 613723.

Allele frequency attached by ClinVar (database versions not stated): TOPMed below 0.00001; gnomAD exomes 0.00001.
gnomAD v4.1: 3 of 1,612,678 alleles (0.00019%); highest among the groups gnomAD compares: Non-Finnish European, 0.00025%; no homozygotes.

Submission:

Labcorp Genetics (formerly Invitae), Labcorp
Classification: Uncertain significance for Autosomal recessive limb-girdle muscular dystrophy type 2Q; Epidermolysis bullosa simplex, Ogna type; Epidermolysis bullosa simplex with nail dystrophy; Epidermolysis bullosa simplex 5C, with pyloric atresia; Epidermolysis bullosa simplex 5B, with muscular dystrophy. Last evaluated: 2018-04-25. Review status: criteria provided, single submitter. Criteria: Invitae Variant Classification Sherloc (09022015). Collection method: clinical testing. Allele origin: germline.
Comment: In summary, the available evidence is currently insufficient to determine the role of this variant in disease. Therefore, it has been classified as a Variant of Uncertain Significance. Algorithms developed to predict the effect of missense changes on protein structure and function do not agree on the potential impact of this missense change (SIFT: "Tolerated"; PolyPhen-2: "Possibly Damaging"; Align-GVGD: "Class C0"). This variant has not been reported in the literature in individuals with PLEC-related disease. This variant is not present in population databases (ExAC no frequency). This sequence change replaces lysine with glutamic acid at codon 2996 of the PLEC protein (p.Lys2996Glu). The lysine residue is highly conserved and there is a small physicochemical difference between lysine and glutamic acid.